The following is an entry in ClinVar:

NM_004239.4(TRIP11):c.588+1G>A

Gene: TRIP11 (thyroid hormone receptor interactor 11; minus strand). Cytogenetic location: 14q32.12.
Variant type: single nucleotide variant.
Coding change: c.588+1G>A on transcript NM_004239.4 (MANE Select); the canonical splice donor site of the intron after coding-DNA position 588, G replaced by A.
Molecular consequence: splice donor variant.
Genome position (GRCh38, 1-based): chr14:92,021,555, C>T on the plus strand (G>A on the coding strand, the complement: TRIP11 is on the minus strand). VCF-style: chr14-92021555-C-T. GRCh37 (hg19) VCF-style: chr14-92487899-C-T.
Other names: c.585+1G>A (NM_001321851.1).
Identifiers: ClinVar variation 4729082 (VCV004729082.1).

ClinVar aggregate classification (germline): Likely pathogenic (1 of 4 stars; one submission).

Conditions:
Achondrogenesis, type IA (ACG1A). Identifiers: Orphanet 932, Orphanet 93299, MedGen C0265273, MONDO:0008701, OMIM 200600.

Submission:

Labcorp Genetics (formerly Invitae), Labcorp
Classification: Likely pathogenic for Achondrogenesis, type IA. Last evaluated: 2025-10-12. Review status: criteria provided, single submitter. Criteria: Invitae Variant Classification Sherloc (09022015). Collection method: clinical testing. Allele origin: germline.
Comment: This sequence change affects a donor splice site in intron 4 of the TRIP11 gene. It is expected to disrupt RNA splicing. Variants that disrupt the donor or acceptor splice site typically lead to a loss of protein function (PMID: 16199547), and loss-of-function variants in TRIP11 are known to be pathogenic (PMID: 20089971, 23956106). This variant is not present in population databases (gnomAD no frequency). This variant has not been reported in the literature in individuals affected with TRIP11-related conditions. Algorithms developed to predict the effect of sequence changes on RNA splicing suggest that this variant may disrupt the consensus splice site. In summary, the currently available evidence indicates that the variant is pathogenic, but additional data are needed to prove that conclusively. Therefore, this variant has been classified as Likely Pathogenic.

Literature cited by the submitters: PubMed 16199547; PubMed 20089971; PubMed 23956106.